The following is an entry in ClinVar:

ClinVar aggregate classification (germline): Uncertain significance. Review status: criteria provided, single submitter (1 of 4 stars). 2 submissions from 2 submitters: Uncertain significance (1). 1 of the submissions does not count toward it. Last evaluated 2025-01-13.

Conditions:
Familial cancer of breast. Also called: BREAST CANCER, FAMILIAL; Hereditary breast cancer; hereditary breast carcinoma. Identifiers: Orphanet 227535, MedGen C0346153, MONDO:0016419, OMIM 114480. Disease mechanism: loss of function.

Allele frequency attached by ClinVar (database versions not stated): gnomAD exomes below 0.00001.
gnomAD v4.1: 1 of 1,614,182 alleles (0.000062%); highest among the groups gnomAD compares: Non-Finnish European, 0.000085%; no homozygotes.

Submissions (2):

Labcorp Genetics (formerly Invitae), Labcorp
Classification: Uncertain significance for Familial cancer of breast. Last evaluated: 2025-01-13. Review status: criteria provided, single submitter. Criteria: Invitae Variant Classification Sherloc (09022015). Collection method: clinical testing. Allele origin: germline.
Comment: This sequence change replaces leucine, which is neutral and non-polar, with proline, which is neutral and non-polar, at codon 698 of the PALB2 protein (p.Leu698Pro). This variant is not present in population databases (gnomAD no frequency). This missense change has been observed in individual(s) with breast cancer (PMID: 25186627). ClinVar contains an entry for this variant (Variation ID: 830157). Invitae Evidence Modeling of protein sequence and biophysical properties (such as structural, functional, and spatial information, amino acid conservation, physicochemical variation, residue mobility, and thermodynamic stability) indicates that this missense variant is expected to disrupt PALB2 protein function with a positive predictive value of 80%. In summary, the available evidence is currently insufficient to determine the role of this variant in disease. Therefore, it has been classified as a Variant of Uncertain Significance.

Leiden Open Variation Database
Classification: Likely benign for Familial cancer of breast. Last evaluated: 2019-05-13. Review status: no assertion criteria provided. Collection method: curation. Allele origin: germline. Affected: yes. Not counted in ClinVar's aggregate classification.
Comment: Curators: Marc Tischkowitz, Arleen D. Auerbach. Submitter to LOVD: Marc Tischkowitz.

Literature cited by the submitters: PubMed 25186627 (cited by Labcorp Genetics (formerly Invitae), Labcorp and Leiden Open Variation Database).

NM_024675.4(PALB2):c.2093T>C (p.Leu698Pro)

Gene: PALB2 (partner and localizer of BRCA2; minus strand). Cytogenetic location: 16p12.2.
Variant type: single nucleotide variant.
Coding change: c.2093T>C on transcript NM_024675.4 (MANE Select); coding-DNA position 2093, T replaced by C.
Protein change: p.Leu698Pro; replaces leucine 698 with proline.
Molecular consequence: missense variant.
Genome position (GRCh38, 1-based): chr16:23,630,061, A>G on the plus strand (T>C on the coding strand, the complement: PALB2 is on the minus strand). VCF-style: chr16-23630061-A-G. GRCh37 (hg19) VCF-style: chr16-23641382-A-G.
Other names: short protein forms L698P.
Identifiers: ClinVar variation 830157 (VCV000830157.4), dbSNP rs1966860685, ClinGen allele CA395125808.
Genomic context (GRCh38, chr16:23,630,061, plus strand): 5'-CTGTCATTATCATCAGGCGCAACCGTATTTAAAGGAGTATAAAGTAATATGGATGAAGAA[A>G]GGCCCGTCTTTGTATGCTGGCTTTGCGAGTTTGGCCTTTTGGGATGTGATTTTCCTGGTA-3'
Protein context (NP_078951.2, residues 688-708): NSQSQHTKTG[Leu698Pro]SSSILLYTPL